The following is an entry in ClinVar:

ClinVar aggregate classification (germline): Uncertain significance. Review status: criteria provided, multiple submitters, no conflicts (2 of 4 stars). 3 submissions from 3 submitters: Uncertain significance (3). Last evaluated 2026-01-22.

Conditions:
Fanconi anemia (FA). Also called: Fanconi's anemia. Identifiers: Orphanet 84, MedGen C0015625, MeSH D005199, MONDO:0019391.
Inborn genetic diseases. Identifiers: MedGen C0950123, MeSH D030342.

gnomAD v4.1: 1 of 1,614,118 alleles (0.000062%); highest among the groups gnomAD compares: Admixed American, 0.0017%; no homozygotes.

Submissions (3):

Ambry Genetics
Classification: Uncertain significance for Inborn genetic diseases. Last evaluated: 2026-01-22. Review status: criteria provided, single submitter. Criteria: Ambry Variant Classification Scheme 2023. Collection method: clinical testing. Allele origin: germline.
Comment: The p.E130D variant (also known as c.390G>T), located in coding exon 4 of the FANCA gene, results from a G to T substitution at nucleotide position 390. The glutamic acid at codon 130 is replaced by aspartic acid, an amino acid with highly similar properties. This amino acid position is conserved. In addition, this alteration is predicted to be tolerated by in silico analysis. Based on the available evidence, the clinical significance of this variant remains unclear.

Quest Diagnostics Nichols Institute San Juan Capistrano
Classification: Uncertain significance. Last evaluated: 2024-10-29. Review status: criteria provided, single submitter. Criteria: Quest Diagnostics criteria. Collection method: clinical testing. Allele origin: unknown.
Comment: The FANCA c.390G (p.Glu130Asp) variant has not been reported in individuals with FANCA-related conditions in the published literature. The frequency of this variant in the general population, 0.000029 (1/34578 chromosomes (Genome Aggregation Database)), is uninformative in the assessment of its pathogenicity. Analysis of this variant using bioinformatics tools for the prediction of the effect of amino acid changes on protein structure and function yielded predictions that this variant is benign. Based on the available information, we are unable to determine the clinical significance of this variant.

Labcorp Genetics (formerly Invitae), Labcorp
Classification: Uncertain significance for Fanconi anemia. Last evaluated: 2022-04-10. Review status: criteria provided, single submitter. Criteria: Invitae Variant Classification Sherloc (09022015). Collection method: clinical testing. Allele origin: germline.
Comment: This sequence change replaces glutamic acid, which is acidic and polar, with aspartic acid, which is acidic and polar, at codon 130 of the FANCA protein (p.Glu130Asp). This variant is present in population databases (rs781401861, gnomAD 0.003%). This variant has not been reported in the literature in individuals affected with FANCA-related conditions. Advanced modeling of protein sequence and biophysical properties (such as structural, functional, and spatial information, amino acid conservation, physicochemical variation, residue mobility, and thermodynamic stability) performed at Invitae indicates that this missense variant is not expected to disrupt FANCA protein function. In summary, the available evidence is currently insufficient to determine the role of this variant in disease. Therefore, it has been classified as a Variant of Uncertain Significance.

NM_000135.4(FANCA):c.390G>T (p.Glu130Asp)

Gene: FANCA (FA complementation group A; minus strand). Cytogenetic location: 16q24.3.
Variant type: single nucleotide variant.
Coding change: c.390G>T on transcript NM_000135.4 (MANE Select); coding-DNA position 390, G replaced by T.
Protein change: p.Glu130Asp; replaces glutamic acid 130 with aspartic acid.
Molecular consequence: missense variant.
Genome position (GRCh38, 1-based): chr16:89,810,965, C>A on the plus strand (G>T on the coding strand, the complement: FANCA is on the minus strand). VCF-style: chr16-89810965-C-A. GRCh37 (hg19) VCF-style: chr16-89877373-C-A.
Other names: c.390G>T (NM_000135.3); c.390G>T, p.Glu130Asp (NM_001018112.3, NM_001286167.3, NM_001351830.2); short protein forms E130D.
Identifiers: ClinVar variation 1957417 (VCV001957417.4), dbSNP rs781401861, ClinGen allele CA8253041.